The following is an entry in ClinVar:

NM_001347721.2(DYRK1A):c.1204G>T (p.Gly402Ter)

Gene: DYRK1A (dual specificity tyrosine phosphorylation regulated kinase 1A; plus strand). Cytogenetic location: 21q22.13.
Variant type: single nucleotide variant.
Coding change: c.1204G>T on transcript NM_001347721.2 (MANE Select); coding-DNA position 1204, G replaced by T.
Protein change: p.Gly402Ter; replaces glycine 402 with a stop codon.
Molecular consequence: nonsense.
Genome position (GRCh38, 1-based): chr21:37,496,250, G>T. VCF-style: chr21-37496250-G-T. GRCh37 (hg19) VCF-style: chr21-38868552-G-T.
Other names: c.1204G>T, p.Gly402Ter (NM_001347722.2, NM_130436.2); c.1117G>T, p.Gly373Ter (NM_001347723.2); c.1231G>T, p.Gly411Ter (NM_001396.5, NM_101395.2, NM_130438.2); short protein forms G373*, G402*, G411*.
Identifiers: ClinVar variation 4796626 (VCV004796626.1).
Genomic context (GRCh38, chr21:37,496,250, plus strand): 5'-GCAAGAAAGTTCTTTGAGAAGTTGCCAGATGGCACTTGGAACTTAAAGAAGACCAAAGAT[G>T]GAAAACGGGTAAAATAAGGATATATCTGTTTTGAGCCTTTATTAAATTTCTTTATCATAC-3'

ClinVar aggregate classification (germline): Likely pathogenic (1 of 4 stars; one submission).

Conditions:
DYRK1A-related intellectual disability syndrome (MRD7). Also called: Intellectual developmental disorder, autosomal dominant 7; DYRK1A Syndrome. Identifiers: Orphanet 464306, MedGen C5568143, MONDO:0013578, OMIM 614104.

Submission:

Juno Genomics, Hangzhou Juno Genomics, Inc
Classification: Likely pathogenic for DYRK1A-related intellectual disability syndrome. Review status: criteria provided, single submitter. Criteria: ACMG Guidelines, 2015. Collection method: clinical testing. Allele origin: germline. Affected: yes.
Comment: Absent from controls (or at extremely low frequency if recessive) in Genome Aggregation Database, Exome Sequencing Project, 1000 Genomes Project, or Exome Aggregation Consortium.;Null variant in a gene where loss of function (LOF) is a known mechanism of disease.